The following is an entry in ClinVar:

NM_001005242.3(PKP2):c.2071C>G (p.Arg691Gly)

Gene: PKP2 (plakophilin 2; minus strand). Cytogenetic location: 12p11.21.
Variant type: single nucleotide variant.
Coding change: c.2071C>G on transcript NM_001005242.3 (MANE Select); coding-DNA position 2071, C replaced by G.
Protein change: p.Arg691Gly; replaces arginine 691 with glycine.
Molecular consequence: missense variant.
Genome position (GRCh38, 1-based): chr12:32,802,499, G>C on the plus strand (C>G on the coding strand, the complement: PKP2 is on the minus strand). VCF-style: chr12-32802499-G-C. GRCh37 (hg19) VCF-style: chr12-32955433-G-C.
Other names: c.2203C>G, p.Arg735Gly (NM_004572.4); short protein forms R691G, R735G.
Identifiers: ClinVar variation 920580 (VCV000920580.7), dbSNP rs121434421, ClinGen allele CA6508290.

ClinVar aggregate classification (germline): Uncertain significance. Review status: criteria provided, multiple submitters, no conflicts (2 of 4 stars). 3 submissions from 3 submitters: Uncertain significance (3). Last evaluated 2025-05-01.

Conditions:
Arrhythmogenic right ventricular dysplasia 9 (ARVD9). Also called: Arrhythmogenic Right Ventricular Dysplasia/Cardiomyopathy 9; ARRHYTHMOGENIC RIGHT VENTRICULAR DYSPLASIA, FAMILIAL, 9. Identifiers: MedGen C1836906, MONDO:0012180, OMIM 609040.
Cardiomyopathy (CMYO). Also called: Cardiomyopathies. Identifiers: Orphanet 167848, MedGen C0878544, MONDO:0004994, HP:0001638. Inheritance: Various modes of inheritance.

Allele frequency attached by ClinVar (database versions not stated): TOPMed below 0.00001; gnomAD 0.00001.
gnomAD v4.1: 4 of 1,613,546 alleles (0.00025%); highest among the groups gnomAD compares: African/African-American, 0.004%; no homozygotes.

Submissions (3):

GeneDx
Classification: Uncertain significance. Last evaluated: 2025-05-01. Review status: criteria provided, single submitter. Criteria: GeneDx Variant Classification Process June 2021. Collection method: clinical testing. Allele origin: germline. Affected: yes.
Comment: Not observed at significant frequency in large population cohorts (gnomAD); In silico analysis suggests that this missense variant does not alter protein structure/function; Has not been previously published as pathogenic or benign to our knowledge

Labcorp Genetics (formerly Invitae), Labcorp
Classification: Uncertain significance for Arrhythmogenic right ventricular dysplasia 9. Last evaluated: 2024-06-26. Review status: criteria provided, single submitter. Criteria: Invitae Variant Classification Sherloc (09022015). Collection method: clinical testing. Allele origin: germline.
Comment: This sequence change replaces arginine, which is basic and polar, with glycine, which is neutral and non-polar, at codon 735 of the PKP2 protein (p.Arg735Gly). This variant is present in population databases (no rsID available, gnomAD no frequency). This variant has not been reported in the literature in individuals affected with PKP2-related conditions. ClinVar contains an entry for this variant (Variation ID: 920580). An algorithm developed to predict the effect of missense changes on protein structure and function (PolyPhen-2) suggests that this variant is likely to be disruptive. In summary, the available evidence is currently insufficient to determine the role of this variant in disease. Therefore, it has been classified as a Variant of Uncertain Significance.

Color Diagnostics, LLC DBA Color Health
Classification: Uncertain significance for Cardiomyopathy. Last evaluated: 2019-01-03. Review status: criteria provided, single submitter. Criteria: ACMG Guidelines, 2015. Collection method: clinical testing. Allele origin: germline.
Comment: Variant of Uncertain Significance due to insufficient evidence: This missense variant is located in the armadillo repeat 7 of the PKP2 protein. Computational prediction tools and conservation analyses are inconclusive regarding the impact of this variant on the protein function. Computational splicing tools suggest that this variant may not impact RNA splicing. To our knowledge, functional assays have not been performed for this variant nor has this variant been reported in individuals affected with cardiovascular disorders in the literature. This variant has been identified in 1/246120 chromosomes in the general population by the Genome Aggregation Database (gnomAD). Available evidence is insufficient to determine the role of this variant in disease conclusively.